The following is an entry in ClinVar:

ClinVar aggregate classification (germline): Uncertain significance. Review status: criteria provided, multiple submitters, no conflicts (2 of 4 stars). 2 submissions from 2 submitters: Uncertain significance (2). Last evaluated 2025-05-13.

Conditions:
Familial cancer of breast. Also called: Hereditary breast cancer; hereditary breast carcinoma; BREAST CANCER, FAMILIAL. Identifiers: Orphanet 227535, MedGen C0346153, MONDO:0016419, OMIM 114480. Disease mechanism: loss of function.
Hereditary cancer-predisposing syndrome. Also called: Tumor predisposition; Neoplastic Syndromes, Hereditary; Hereditary neoplastic syndrome; Hereditary Cancer Syndrome. Identifiers: Orphanet 140162, MedGen C0027672, MeSH D009386, MONDO:0015356.

Submissions (2):

Labcorp Genetics (formerly Invitae), Labcorp
Classification: Uncertain significance for Familial cancer of breast. Last evaluated: 2025-05-13. Review status: criteria provided, single submitter. Criteria: Invitae Variant Classification Sherloc (09022015). Collection method: clinical testing. Allele origin: germline.
Comment: This sequence change replaces aspartic acid, which is acidic and polar, with histidine, which is basic and polar, at codon 458 of the BARD1 protein (p.Asp458His). This variant is not present in population databases (gnomAD no frequency). This variant has not been reported in the literature in individuals affected with BARD1-related conditions. ClinVar contains an entry for this variant (Variation ID: 3479698). An algorithm developed to predict the effect of missense changes on protein structure and function (PolyPhen-2) suggests that this variant is likely to be disruptive. In summary, the available evidence is currently insufficient to determine the role of this variant in disease. Therefore, it has been classified as a Variant of Uncertain Significance.

Ambry Genetics
Classification: Uncertain significance for Hereditary cancer-predisposing syndrome. Last evaluated: 2024-07-25. Review status: criteria provided, single submitter. Criteria: Ambry Variant Classification Scheme 2023. Collection method: clinical testing. Allele origin: germline.
Comment: The p.D458H variant (also known as c.1372G>C), located in coding exon 5 of the BARD1 gene, results from a G to C substitution at nucleotide position 1372. The aspartic acid at codon 458 is replaced by histidine, an amino acid with similar properties. This amino acid position is highly conserved in available vertebrate species. In addition, this alteration is predicted to be deleterious by in silico analysis. Based on the available evidence, the clinical significance of this variant remains unclear.

NM_000465.4(BARD1):c.1372G>C (p.Asp458His)

Gene: BARD1 (BRCA1 associated RING domain 1; minus strand). Cytogenetic location: 2q35.
Variant type: single nucleotide variant.
Coding change: c.1372G>C on transcript NM_000465.4 (MANE Select); coding-DNA position 1372, G replaced by C.
Protein change: p.Asp458His; replaces aspartic acid 458 with histidine.
Molecular consequence: missense variant. On other transcripts: non-coding transcript variant (3), intron variant (3).
Genome position (GRCh38, 1-based): chr2:214,769,255, C>G on the plus strand (G>C on the coding strand, the complement: BARD1 is on the minus strand). VCF-style: chr2-214769255-C-G. GRCh37 (hg19) VCF-style: chr2-215633979-C-G.
Other names: c.1315G>C, p.Asp439His (NM_001282543.2); c.159-16700G>C (NM_001282548.2); c.216-16700G>C (NM_001282545.2); c.364+23042G>C (NM_001282549.2); short protein forms D439H, D458H.
Identifiers: ClinVar variation 3479698 (VCV003479698.3).